The following is an entry in ClinVar:

ClinVar aggregate classification (germline): Pathogenic (1 of 4 stars; one submission).

Conditions:
Ehlers-Danlos syndrome due to tenascin-X deficiency (EDSCLL1). Also called: Ehlers-Danlos syndrome, classic-like, 1; EHLERS-DANLOS SYNDROME, CLASSIC-LIKE; TNXB-Related Classical-Like Ehlers-Danlos Syndrome; EDS DUE TO TNX DEFICIENCY; TNX DEFICIENCY. Identifiers: Orphanet 230839, MedGen C1848029, MONDO:0011670, OMIM 606408.

Submission:

Myriad Genetics, Inc.
Classification: Pathogenic for Ehlers-Danlos syndrome due to tenascin-X deficiency. Last evaluated: 2025-04-04. Review status: criteria provided, single submitter. Criteria: Myriad Autosomal Dominant, Autosomal Recessive and X-Linked Classification Criteria (2023). Collection method: clinical testing. Allele origin: unknown.
Comment: NM_019105.6(TNXB):c.3763delC(R1255Afs*13) is expected to be pathogenic in the context of classical-like Ehlers-Danlos syndrome, TNXB-related. This variant is predicted to lead to an abnormal or absent protein product due to the creation of a premature termination codon in TNXB, a gene where loss-of-function variants are known to be pathogenic. Please note: this variant was assessed in the context of healthy population screening.

NM_001365276.2(TNXB):c.3763del (p.Arg1255fs)

Gene: TNXB (tenascin XB; minus strand). Cytogenetic location: 6p21.33.
Variant type: Deletion.
Coding change: c.3763del on transcript NM_001365276.2 (MANE Select); coding-DNA position 3763, one base deleted (C; older notation c.3763delC).
Protein change: p.Arg1255fs; shifts the reading frame from arginine 1255.
Molecular consequence: frameshift variant.
Genome position (GRCh38, 1-based): chr6:32,081,647, G deleted on the plus strand (C on the coding strand, the reverse complement: TNXB is on the minus strand); the first of 7 consecutive G bases (chr6:32,081,647-32,081,653); deleting any one gives the same sequence. VCF-style (leftmost placement, unchanged base first): chr6-32081646-CG-C. GRCh37 (hg19) VCF-style: chr6-32049423-CG-C.
Other names: c.4504del, p.Arg1502fs (NM_001428335.1); c.3763del, p.Arg1255fs (NM_019105.8); short protein forms R1255fs, R1502fs.
Identifiers: ClinVar variation 5014302 (VCV005014302.1).